The following is an entry in ClinVar:

NM_022168.4(IFIH1):c.980T>C (p.Ile327Thr)

Gene: IFIH1 (interferon induced with helicase C domain 1; minus strand). Cytogenetic location: 2q24.2.
Variant type: single nucleotide variant.
Coding change: c.980T>C on transcript NM_022168.4 (MANE Select); coding-DNA position 980, T replaced by C.
Protein change: p.Ile327Thr; replaces isoleucine 327 with threonine.
Molecular consequence: missense variant.
Genome position (GRCh38, 1-based): chr2:162,288,250, A>G on the plus strand (T>C on the coding strand, the complement: IFIH1 is on the minus strand). VCF-style: chr2-162288250-A-G. GRCh37 (hg19) VCF-style: chr2-163144760-A-G.
Other names: short protein forms I327T.
Identifiers: ClinVar variation 2936588 (VCV002936588.3), dbSNP rs1415811518, ClinGen allele CA349004770.

ClinVar aggregate classification (germline): Uncertain significance (1 of 4 stars; one submission).

Conditions:
Aicardi-Goutieres syndrome 7 (AGS7). Identifiers: Orphanet 51, MedGen C3888244, MONDO:0014367, OMIM 615846.
Singleton-Merten syndrome 1 (SGMRT1). Also called: Widened medullary cavities of bone, aortic calcification, abnormal dentition, and muscular weakness; Syndrome of widened medullary cavities of the metacarpals and phalanges, aortic calcification and abnormal dentition. Identifiers: Orphanet 85191, MedGen C4225427, MONDO:0024535, OMIM 182250.

Allele frequency attached by ClinVar (database versions not stated): TOPMed below 0.00001.
gnomAD v4.1: 3 of 1,612,804 alleles (0.00019%); highest among the groups gnomAD compares: Non-Finnish European, 0.00025%; no homozygotes.

Submission:

Labcorp Genetics (formerly Invitae), Labcorp
Classification: Uncertain significance for Aicardi-Goutieres syndrome 7; Singleton-Merten syndrome 1. Last evaluated: 2023-01-28. Review status: criteria provided, single submitter. Criteria: Invitae Variant Classification Sherloc (09022015). Collection method: clinical testing. Allele origin: germline.
Comment: This sequence change replaces isoleucine, which is neutral and non-polar, with threonine, which is neutral and polar, at codon 327 of the IFIH1 protein (p.Ile327Thr). This variant is present in population databases (no rsID available, gnomAD 0.0009%). This variant has not been reported in the literature in individuals affected with IFIH1-related conditions. Advanced modeling of protein sequence and biophysical properties (such as structural, functional, and spatial information, amino acid conservation, physicochemical variation, residue mobility, and thermodynamic stability) has been performed at Invitae for this missense variant, however the output from this modeling did not meet the statistical confidence thresholds required to predict the impact of this variant on IFIH1 protein function. In summary, the available evidence is currently insufficient to determine the role of this variant in disease. Therefore, it has been classified as a Variant of Uncertain Significance.